The following is an entry in ClinVar:

NM_006496.4(GNAI3):c.385C>T (p.Arg129Trp)

Gene: GNAI3 (G protein subunit alpha i3; plus strand). Cytogenetic location: 1p13.3.
Variant type: single nucleotide variant.
Coding change: c.385C>T on transcript NM_006496.4 (MANE Select); coding-DNA position 385, C replaced by T.
Protein change: p.Arg129Trp; replaces arginine 129 with tryptophan.
Molecular consequence: missense variant.
Genome position (GRCh38, 1-based): chr1:109,579,285, C>T. VCF-style: chr1-109579285-C-T. GRCh37 (hg19) VCF-style: chr1-110121907-C-T.
Other names: short protein forms R129W.
Identifiers: ClinVar variation 4983660 (VCV004983660.1).

ClinVar aggregate classification (germline): Uncertain significance (1 of 4 stars; one submission).

Conditions:
GNAI3-related disorder. Also called: GNAI3-related condition.

gnomAD v4.1: 5 of 1,612,988 alleles (0.00031%); highest among the groups gnomAD compares: South Asian, 0.0011%; no homozygotes.

Submission:

PreventionGenetics, part of Exact Sciences
Classification: Uncertain significance for GNAI3-related condition. Last evaluated: 2025-02-13. Review status: criteria provided, single submitter. Criteria: ACMG Guidelines, 2015. Collection method: clinical testing. Allele origin: germline.
Comment: The GNAI3 c.385C>T variant is predicted to result in the amino acid substitution p.Arg129Trp. To our knowledge, this variant has not been reported in the literature. This variant is reported in 0.0033% of alleles in individuals of South Asian descent in gnomAD. At this time, the clinical significance of this variant is uncertain due to the absence of conclusive functional and genetic evidence.